The following is an entry in ClinVar:

NM_001004334.4(GPR179):c.6351G>T (p.Trp2117Cys)

Gene: GPR179 (G protein-coupled receptor 179; minus strand). Cytogenetic location: 17q12.
Variant type: single nucleotide variant.
Coding change: c.6351G>T on transcript NM_001004334.4 (MANE Select); coding-DNA position 6351, G replaced by T.
Protein change: p.Trp2117Cys; replaces tryptophan 2117 with cysteine.
Molecular consequence: missense variant.
Genome position (GRCh38, 1-based): chr17:38,327,218, C>A on the plus strand (G>T on the coding strand, the complement: GPR179 is on the minus strand). VCF-style: chr17-38327218-C-A. GRCh37 (hg19) VCF-style: chr17-36483101-C-A.
Other names: short protein forms W2117C.
Identifiers: ClinVar variation 3620347 (VCV003620347.2).

ClinVar aggregate classification (germline): Uncertain significance (1 of 4 stars; one submission).

gnomAD v4.1: 7 of 1,614,134 alleles (0.00043%); highest among the groups gnomAD compares: African/African-American, 0.0013%; no homozygotes.

Submission:

Labcorp Genetics (formerly Invitae), Labcorp
Classification: Uncertain significance. Last evaluated: 2024-03-06. Review status: criteria provided, single submitter. Criteria: Invitae Variant Classification Sherloc (09022015). Collection method: clinical testing. Allele origin: germline.
Comment: This sequence change replaces tryptophan, which is neutral and slightly polar, with cysteine, which is neutral and slightly polar, at codon 2117 of the GPR179 protein (p.Trp2117Cys). This variant is present in population databases (rs766582295, gnomAD 0.002%). This variant has not been reported in the literature in individuals affected with GPR179-related conditions. An algorithm developed to predict the effect of missense changes on protein structure and function (PolyPhen-2) suggests that this variant is likely to be disruptive. In summary, the available evidence is currently insufficient to determine the role of this variant in disease. Therefore, it has been classified as a Variant of Uncertain Significance.